The following is an entry in ClinVar:

ClinVar aggregate classification (germline): Pathogenic (1 of 4 stars; one submission).

Conditions:
Familial thoracic aortic aneurysm and aortic dissection (TAAD). Also called: Thoracic aortic aneurysms and dissections. Identifiers: Orphanet 91387, MedGen C4707243, MONDO:0019625.
Marfan syndrome (MFS). Also called: FBN1-Related Marfan Syndrome; Marfan's syndrome; MARFAN SYNDROME, TYPE I; Marfan syndrome type 1; Marfan syndrome, classic. Identifiers: Orphanet 284963, Orphanet 558, MedGen C0024796, MONDO:0007947, OMIM 154700.

Submission:

Labcorp Genetics (formerly Invitae), Labcorp
Classification: Pathogenic for Marfan syndrome; Familial thoracic aortic aneurysm and aortic dissection. Last evaluated: 2019-07-22. Review status: criteria provided, single submitter. Criteria: Invitae Variant Classification Sherloc (09022015). Collection method: clinical testing. Allele origin: germline.
Comment: For these reasons, this variant has been classified as Pathogenic. Loss-of-function variants in FBN1 are known to be pathogenic (PMID: 17657824, 19293843). This variant has not been reported in the literature in individuals with FBN1-related conditions. This variant is an out-of-frame deletion of the genomic region encompassing exons 3-17 of the FBN1 gene. This is expected to create a premature translational stop signal and result in an absent or disrupted protein product.

Literature cited by the submitters: PubMed 17657824; PubMed 19293843.

NC_000015.10:g.(?_48503777)_(48613102_?)del

Gene: FBN1 (fibrillin 1; minus strand). Cytogenetic location: 15q21.1.
Variant type: Deletion.
Identifiers: ClinVar variation 830585 (VCV000830585.5).